The following is an entry in ClinVar:

ClinVar aggregate classification (germline): Likely benign (0 of 4 stars; one submission).

Conditions:
POLR2A-related disorder. Also called: POLR2A-related condition.

Allele frequency attached by ClinVar (database versions not stated): gnomAD 0.00009; TOPMed 0.00009; ESP Exome Variant Server 0.00015.

Submission:

PreventionGenetics, part of Exact Sciences
Classification: Likely benign for POLR2A-related condition. Last evaluated: 2020-01-06. Review status: no assertion criteria provided. Collection method: clinical testing. Allele origin: germline.
Comment: This variant is classified as likely benign based on ACMG/AMP sequence variant interpretation guidelines (Richards et al. 2015 PMID: 25741868, with internal and published modifications).

NM_000937.5(POLR2A):c.5301C>G (p.Pro1767=)

Gene: POLR2A (RNA polymerase II subunit A; plus strand). Cytogenetic location: 17p13.1.
Variant type: single nucleotide variant.
Coding change: c.5301C>G on transcript NM_000937.5 (MANE Select); coding-DNA position 5301, C replaced by G.
Protein change: p.Pro1767=; no amino-acid change (proline 1767 retained).
Molecular consequence: synonymous variant.
Genome position (GRCh38, 1-based): chr17:7,513,565, C>G. VCF-style: chr17-7513565-C-G. GRCh37 (hg19) VCF-style: chr17-7416884-C-G.
Identifiers: ClinVar variation 3051168 (VCV003051168.2), dbSNP rs146946917, ClinGen allele CA8350542.